The following is an entry in ClinVar:

NM_024577.4(SH3TC2):c.*10968G>A

Gene: SH3TC2 (SH3 domain and tetratricopeptide repeats 2; minus strand). Cytogenetic location: 5q32.
Variant type: single nucleotide variant.
Coding change: c.*10968G>A on transcript NM_024577.4 (MANE Select); 10968 bases downstream of the stop codon, G replaced by A.
Molecular consequence: 3 prime UTR variant.
Genome position (GRCh38, 1-based): chr5:148,993,743, C>T on the plus strand (G>A on the coding strand, the complement: SH3TC2 is on the minus strand). VCF-style: chr5-148993743-C-T. GRCh37 (hg19) VCF-style: chr5-148373306-C-T.
Identifiers: ClinVar variation 351701 (VCV000351701.7), dbSNP rs13166730, ClinGen allele CA10623237.

ClinVar aggregate classification (germline): Benign. Review status: criteria provided, multiple submitters, no conflicts (2 of 4 stars). 3 submissions from 2 submitters: Benign (3). Last evaluated 2021-05-15.

Conditions:
Charcot-Marie-Tooth disease type 4C (CMT4C). Also called: CHARCOT-MARIE-TOOTH DISEASE, DEMYELINATING, AUTOSOMAL RECESSIVE, TYPE 4C; CMT 4C; Charcot-Marie-Tooth Neuropathy Type 4C (CMT4C); CHARCOT-MARIE-TOOTH DISEASE, DEMYELINATING, TYPE 4C; SH3TC2-Related Hereditary Motor and Sensory Neuropathy. Identifiers: Orphanet 99949, MedGen C1866636, MONDO:0011113, OMIM 601596.
Susceptibility to mononeuropathy of the median nerve, mild. Also called: CARPAL TUNNEL SYNDROME, SUSCEPTIBILITY TO. Identifiers: MedGen C3150596, MONDO:0013237, OMIM 613353.

Allele frequency attached by ClinVar (database versions not stated): 1000 Genomes Project 0.07228; 1000 Genomes Project 30x 0.07277; gnomAD 0.11356 and 0.11562; TOPMed 0.11560.
gnomAD v4.1: 17,398 of 152,182 alleles (11%); highest among the groups gnomAD compares: Non-Finnish European, 17%; 1,283 homozygotes.

Submissions (3):

GeneDx
Classification: Benign. Last evaluated: 2021-05-15. Review status: criteria provided, single submitter. Criteria: GeneDx Variant Classification Process June 2021. Collection method: clinical testing. Allele origin: germline. Affected: yes.

Illumina Laboratory Services, Illumina
Classification: Benign for Susceptibility to mononeuropathy of the median nerve, mild. Last evaluated: 2018-01-13. Review status: criteria provided, single submitter. Criteria: ICSL Variant Classification Criteria 13 December 2019. Collection method: clinical testing. Allele origin: germline.
Comment: This variant was observed in the ICSL laboratory as part of a predisposition screen in an ostensibly healthy population. It had not been previously curated by ICSL or reported in the Human Gene Mutation Database (HGMD: prior to June 1st, 2018), and was therefore a candidate for classification through an automated scoring system. Utilizing variant allele frequency, disease prevalence and penetrance estimates, and inheritance mode, an automated score was calculated to assess if this variant is too frequent to cause the disease. Based on the score and internal cut-off values, a variant classified as benign is not then subjected to further curation. The score for this variant resulted in a classification of benign for this disease.

Illumina Laboratory Services, Illumina
Classification: Benign for Charcot-Marie-Tooth disease type 4C. Last evaluated: 2018-01-13. Review status: criteria provided, single submitter. Criteria: ICSL Variant Classification Criteria 13 December 2019. Collection method: clinical testing. Allele origin: germline.
Comment: the same text as in the submission from Illumina Laboratory Services, Illumina above.